The following is an entry in ClinVar:

NM_000414.4(HSD17B4):c.1732T>C (p.Trp578Arg)

Gene: HSD17B4 (hydroxysteroid 17-beta dehydrogenase 4; plus strand). Cytogenetic location: 5q23.1.
Variant type: single nucleotide variant.
Coding change: c.1732T>C on transcript NM_000414.4 (MANE Select); coding-DNA position 1732, T replaced by C.
Protein change: p.Trp578Arg; replaces tryptophan 578 with arginine.
Molecular consequence: missense variant. On other transcripts: non-coding transcript variant (2).
Genome position (GRCh38, 1-based): chr5:119,527,184, T>C. VCF-style: chr5-119527184-T-C. GRCh37 (hg19) VCF-style: chr5-118862879-T-C.
Other names: c.1807T>C, p.Trp603Arg (NM_001199291.3); c.1678T>C, p.Trp560Arg (NM_001199292.2); c.1660T>C, p.Trp554Arg (NM_001292027.2, NM_001374498.1); c.1312T>C, p.Trp438Arg (NM_001292028.2); c.1723T>C, p.Trp575Arg (NM_001374497.1); c.1405T>C, p.Trp469Arg (NM_001374499.1); c.1291T>C, p.Trp431Arg (NM_001374500.1); c.1321T>C, p.Trp441Arg (NM_001374501.1, NM_001374502.1, NM_001374503.1); short protein forms W431R, W438R, W441R, W469R, W554R, W560R, W575R, W578R.
Identifiers: ClinVar variation 3343854 (VCV003343854.3).
Genomic context (GRCh38, chr5:119,527,184, plus strand): 5'-TTTTTAAAGGCTCGTTTTGCAAAACCAGTATATCCAGGACAAACTCTACAAACTGAGATG[T>C]GGAAGGAAGGAAACAGAATTCATTTTCAAACCAAGGTATGAATTTTGCTTTTTCACCCTT-3'
Protein context (NP_000405.1, residues 568-588): YPGQTLQTEM[Trp578Arg]KEGNRIHFQT

ClinVar aggregate classification (germline): Conflicting classifications of pathogenicity. Review status: criteria provided, conflicting classifications (1 of 4 stars). 3 submissions from 3 submitters: Likely pathogenic (2); Uncertain significance (1). Last evaluated 2025-09-30.

Conditions:
Bifunctional peroxisomal enzyme deficiency (DBIF). Also called: DBP DEFICIENCY; PBFE DEFICIENCY; D-bifunctional protein deficiency. Identifiers: Orphanet 300, MedGen C0342870, MONDO:0009855, OMIM 261515. Disease mechanism: loss of function.

gnomAD v4.1: 9 of 1,610,246 alleles (0.00056%); highest among the groups gnomAD compares: South Asian, 0.0099%; no homozygotes.

Submissions (3):

3billion
Classification: Likely pathogenic for Bifunctional peroxisomal enzyme deficiency. Last evaluated: 2025-09-30. Review status: criteria provided, single submitter. Criteria: ACMG Guidelines, 2015. Collection method: clinical testing. Allele origin: germline. Affected: yes.
Comment: The variant is observed at an extremely low frequency in the gnomAD v4.1.0 dataset (total allele frequency: <0.001%). Predicted Consequence/Location: Missense variant. The majority of the known disease-causing variants of this gene are variants expected to result in premature termination of the protein. In silico tool predictions suggest damaging effect of the variant on gene or gene product [REVEL: 0.88 (>=0.6, sensitivity 0.68 and specificity 0.92)]. The same nucleotide change resulting in the same amino acid change has been previously reported to be associated with HSD17B4-related disorder (PMID: 33510602). The variant has been reported to be in trans with a pathogenic variant as either compound heterozygous or homozygous in at least one similarly affected unrelated individual (PMID: 33510602). The variant has been reported to co-segregate with the disease in at least one similarly affected relative/individual in the same family or similarly affected unrelated families (PMID: 33510602). Therefore, this variant is classified as Likely pathogenic according to the recommendation of ACMG/AMP guideline.

Natera, Inc.
Classification: Likely pathogenic for Bifunctional peroxisomal enzyme deficiency. Last evaluated: 2025-05-05. Review status: criteria provided, single submitter. Criteria: Natera Variant Classification Schema (03/2026). Collection method: clinical testing. Allele origin: germline.
Comment: The c.1732T>C variant in HSD17B4 is a missense variant predicted to cause substitution of tryptophan to arginine at amino acid 578. This variant is rare in the general population with a frequency below the threshold expected for the associated phenotype(s). This variant has been observed in one or more individuals affected with the associated recessive disease, as either homozygous or compound heterozygous with a second variant (PMID: 2245968). Additionally, this variant has been observed to segregate in affected family members (PMID: 22459681). Computational prediction algorithms indicate this variant is likely to affect gene or protein function. Given the available evidence, this variant is classified as Likely Pathogenic.

GeneDx
Classification: Uncertain significance. Last evaluated: 2023-12-03. Review status: criteria provided, single submitter. Criteria: GeneDx Variant Classification Process June 2021. Collection method: clinical testing. Allele origin: germline. Affected: yes.
Comment: Not observed at significant frequency in large population cohorts (gnomAD); In silico analysis supports that this missense variant has a deleterious effect on protein structure/function; This variant is associated with the following publications: (PMID: 33510602, Kasula2023[casereport])

Literature cited by the submitters: PubMed 33510602 (cited by 3billion); PubMed 2245968 (cited by Natera, Inc.); PubMed 22459681 (cited by Natera, Inc.).